The following is an entry in ClinVar:

NM_001077365.2(POMT1):c.2078C>T (p.Thr693Met)

Gene: POMT1 (protein O-mannosyltransferase 1; plus strand). Cytogenetic location: 9q34.13.
Variant type: single nucleotide variant.
Coding change: c.2078C>T on transcript NM_001077365.2 (MANE Select); coding-DNA position 2078, C replaced by T.
Protein change: p.Thr693Met; replaces threonine 693 with methionine.
Molecular consequence: missense variant. On other transcripts: non-coding transcript variant (10).
Genome position (GRCh38, 1-based): chr9:131,523,006, C>T. VCF-style: chr9-131523006-C-T. GRCh37 (hg19) VCF-style: chr9-134398393-C-T.
Other names: c.1916C>T, p.Thr639Met (NM_001077366.2, NM_001353194.2); c.2078C>T, p.Thr693Met (NM_001136113.2); c.1727C>T, p.Thr576Met (NM_001136114.2, NM_001353195.2, NM_001374691.1 and 2 more transcripts); c.2144C>T, p.Thr715Met (NM_001353193.2, NM_007171.4); c.1988C>T, p.Thr663Met (NM_001353196.2); c.1982C>T, p.Thr661Met (NM_001353197.2, NM_001353198.2); c.1793C>T, p.Thr598Met (NM_001353199.2); c.1622C>T, p.Thr541Met (NM_001353200.2); and 3 more; short protein forms T541M, T563M, T576M, T598M, T620M, T639M, T661M, T663M.
Identifiers: ClinVar variation 1003439 (VCV001003439.5), dbSNP rs767241035, ClinGen allele CA5293932.
Genomic context (GRCh38, chr9:131,523,006, plus strand): 5'-GGAGCATCTTCAGCGCCCTGGTGGTGGCCTGGTACTCCTCCGCGTGCCACGTGTCCAACA[C>T]GCTGCGCCCACTCACCTACGGGGACAAGTCACTCTCGCCACATGAACTCAAGGCCCTTCG-3'
Protein context (NP_001070833.1, residues 683-703): WYSSACHVSN[Thr693Met]LRPLTYGDKS

ClinVar aggregate classification (germline): Uncertain significance (1 of 4 stars; one submission).

Conditions:
Muscular dystrophy-dystroglycanopathy (congenital with impaired intellectual development), type B, 1. Also called: MUSCULAR DYSTROPHY, CONGENITAL, POMT1-RELATED; Muscular dystrophy-dystroglycanopathy (congenital with intellectual disability), type B1. Identifiers: MedGen C5436962, MONDO:0013159, OMIM 613155.
Autosomal recessive limb-girdle muscular dystrophy type 2K. Also called: MUSCULAR DYSTROPHY-DYSTROGLYCANOPATHY (LIMB-GIRDLE), TYPE C, 1; MUSCULAR DYSTROPHY, LIMB-GIRDLE, TYPE 2K. Identifiers: Orphanet 86812, MedGen C1836373, MONDO:0012248, OMIM 609308.
Walker-Warburg congenital muscular dystrophy. Also called: Muscular dystrophy-dystroglycanopathy, type A; Walker-Warburg syndrome. Identifiers: Orphanet 899, MedGen C0265221, MONDO:0000171.

Allele frequency attached by ClinVar (database versions not stated): gnomAD 0.00001; gnomAD exomes 0.00002 and 0.00007; TOPMed 0.00006; ExAC 0.00007.
gnomAD v4.1: 32 of 1,609,280 alleles (0.002%); highest among the groups gnomAD compares: East Asian, 0.027%; no homozygotes.

Submission:

Labcorp Genetics (formerly Invitae), Labcorp
Classification: Uncertain significance for Muscular dystrophy-dystroglycanopathy (congenital with impaired intellectual development), type B, 1; Walker-Warburg congenital muscular dystrophy; Autosomal recessive limb-girdle muscular dystrophy type 2K. Last evaluated: 2025-08-11. Review status: criteria provided, single submitter. Criteria: Invitae Variant Classification Sherloc (09022015). Collection method: clinical testing. Allele origin: germline.
Comment: This sequence change replaces threonine, which is neutral and polar, with methionine, which is neutral and non-polar, at codon 715 of the POMT1 protein (p.Thr715Met). This variant is present in population databases (rs767241035, gnomAD 0.06%). This variant has not been reported in the literature in individuals affected with POMT1-related conditions. ClinVar contains an entry for this variant (Variation ID: 1003439). Invitae Evidence Modeling of protein sequence and biophysical properties (such as structural, functional, and spatial information, amino acid conservation, physicochemical variation, residue mobility, and thermodynamic stability) indicates that this missense variant is not expected to disrupt POMT1 protein function with a negative predictive value of 80%. In summary, the available evidence is currently insufficient to determine the role of this variant in disease. Therefore, it has been classified as a Variant of Uncertain Significance.